The following is an entry in ClinVar:

NM_001042492.3(NF1):c.6370G>A (p.Gly2124Arg)

Gene: NF1 (neurofibromin 1; plus strand). Cytogenetic location: 17q11.2.
Variant type: single nucleotide variant.
Coding change: c.6370G>A on transcript NM_001042492.3 (MANE Select); coding-DNA position 6370, G replaced by A.
Protein change: p.Gly2124Arg; replaces glycine 2124 with arginine.
Molecular consequence: missense variant.
Genome position (GRCh38, 1-based): chr17:31,336,857, G>A. VCF-style: chr17-31336857-G-A. GRCh37 (hg19) VCF-style: chr17-29663875-G-A.
Other names: c.6307G>A, p.Gly2103Arg (NM_000267.4); short protein forms G2124R, G2103R.
Identifiers: ClinVar variation 1752758 (VCV001752758.2), dbSNP rs2151554999, ClinGen allele CA399012843.
Genomic context (GRCh38, chr17:31,336,857, plus strand): 5'-TTCCACGTTGTTACTTTCTTAGTAGCCACAGGTCCGCTCTCCCTTAGAGCTTCCACACAT[G>A]GACTGGTCATTAATATCATTCACTCTCTGTGTACTTGTTCACAGCTTCATTTTAGTGGTA-3'
Protein context (NP_001035957.1, residues 2114-2134): GPLSLRASTH[Gly2124Arg]LVINIIHSLC

ClinVar aggregate classification (germline): Uncertain significance (1 of 4 stars; one submission).

Conditions:
Cardiovascular phenotype. Identifiers: MedGen CN230736.
Hereditary cancer-predisposing syndrome. Also called: Neoplastic Syndromes, Hereditary; Tumor predisposition; Hereditary Cancer Syndrome; Hereditary neoplastic syndrome. Identifiers: Orphanet 140162, MedGen C0027672, MeSH D009386, MONDO:0015356.

Submission:

Ambry Genetics
Classification: Uncertain significance for Cardiovascular phenotype; Hereditary cancer-predisposing syndrome. Last evaluated: 2022-05-13. Review status: criteria provided, single submitter. Criteria: Ambry Variant Classification Scheme 2023. Collection method: clinical testing. Allele origin: germline.
Comment: The p.G2103R variant (also known as c.6307G>A), located in coding exon 41 of the NF1 gene, results from a G to A substitution at nucleotide position 6307. The glycine at codon 2103 is replaced by arginine, an amino acid with dissimilar properties. This amino acid position is highly conserved in available vertebrate species. In addition, this alteration is predicted to be deleterious by in silico analysis. Since supporting evidence is limited at this time, the clinical significance of this alteration remains unclear.